The following is an entry in ClinVar:

ClinVar aggregate classification (germline): Benign/Likely benign. Review status: criteria provided, multiple submitters, no conflicts (2 of 4 stars). 8 submissions from 8 submitters: Benign (6); Likely benign (1). 1 of the submissions does not count toward it. Last evaluated 2026-02-03.

Conditions:
MID1-related disorder. Also called: MID1-related condition.
Inborn genetic diseases. Identifiers: MedGen C0950123, MeSH D030342.
X-linked Opitz G/BBB syndrome (GBBB). Also called: Opitz-Frias syndrome; OPITZ BBBG SYNDROME, TYPE I; OPITZ SYNDROME, X-LINKED; OPITZ-G SYNDROME, TYPE I; MID1-Related Opitz G/BBB Syndrome. Identifiers: Orphanet 2745, MedGen C2936904, MONDO:0010222, OMIM 300000.

Allele frequency attached by ClinVar (database versions not stated): ESP Exome Variant Server 0.00047; gnomAD exomes 0.00206 and 0.00974; gnomAD 0.00376 and 0.00380; 1000 Genomes Project 0.00397; 1000 Genomes Project 30x 0.00458; TOPMed 0.00638; ExAC 0.00810.
gnomAD v4.1: 2,712 of 1,209,747 alleles (0.22%); highest among the groups gnomAD compares: Admixed American, 4.9%; 60 homozygotes.

Submissions (8):

Labcorp Genetics (formerly Invitae), Labcorp
Classification: Benign. Last evaluated: 2026-02-03. Review status: criteria provided, single submitter. Criteria: Invitae Variant Classification Sherloc (09022015). Collection method: clinical testing. Allele origin: germline.

Fulgent Genetics
Classification: Likely benign for X-linked Opitz G/BBB syndrome. Last evaluated: 2021-09-10. Review status: criteria provided, single submitter. Criteria: ACMG Guidelines, 2015. Collection method: clinical testing. Allele origin: unknown.

GeneDx
Classification: Benign. Last evaluated: 2021-05-04. Review status: criteria provided, single submitter. Criteria: GeneDx Variant Classification Process June 2021. Collection method: clinical testing. Allele origin: germline. Affected: yes.

Ambry Genetics
Classification: Benign for Inborn genetic diseases. Last evaluated: 2016-08-31. Review status: criteria provided, single submitter. Criteria: Ambry Variant Classification Scheme 2023. Collection method: clinical testing. Allele origin: germline.

Genetic Services Laboratory, University of Chicago
Classification: Benign. Last evaluated: 2016-08-22. Review status: criteria provided, single submitter. Criteria: ACMG Guidelines, 2015. Collection method: clinical testing. Allele origin: germline. Affected: no.

Eurofins Ntd Llc (ga)
Classification: Benign. Last evaluated: 2013-10-24. Review status: criteria provided, single submitter. Criteria: EGL Classification Definitions 2015. Collection method: clinical testing. Allele origin: germline. Observed: 3 variant alleles, 1 heterozygote, 2 hemizygotes.

Breakthrough Genomics
Classification: Benign. Review status: criteria provided, single submitter. Criteria: ACMG Guidelines, 2015. Collection method: not provided. Allele origin: germline. Inheritance: X-linked inheritance. Affected: yes.

PreventionGenetics, part of Exact Sciences
Classification: Benign for MID1-related condition. Last evaluated: 2019-03-27. Review status: no assertion criteria provided. Collection method: clinical testing. Allele origin: germline. Not counted in ClinVar's aggregate classification.
Comment: This variant is classified as benign based on ACMG/AMP sequence variant interpretation guidelines (Richards et al. 2015 PMID: 25741868, with internal and published modifications).

NM_000381.4(MID1):c.498G>A (p.Pro166=)

Gene: MID1 (midline 1; minus strand). Cytogenetic location: Xp22.2.
Variant type: single nucleotide variant.
Coding change: c.498G>A on transcript NM_000381.4 (MANE Select); coding-DNA position 498, G replaced by A.
Protein change: p.Pro166=; no amino-acid change (proline 166 retained).
Molecular consequence: synonymous variant.
Genome position (GRCh38, 1-based): chrX:10,567,050, C>T on the plus strand (G>A on the coding strand, the complement: MID1 is on the minus strand). VCF-style: chrX-10567050-C-T. GRCh37 (hg19) VCF-style: chrX-10535090-C-T.
Other names: c.498G>A, p.Pro166= (NM_001098624.2, NM_001193277.1, NM_001193278.1 and 5 more transcripts).
Identifiers: ClinVar variation 92879 (VCV000092879.28), dbSNP rs7391874, ClinGen allele CA146063.